The following is an entry in ClinVar:

ClinVar aggregate classification (germline): Uncertain significance (1 of 4 stars; one submission).

Submission:

Labcorp Genetics (formerly Invitae), Labcorp
Classification: Uncertain significance. Last evaluated: 2022-11-01. Review status: criteria provided, single submitter. Criteria: Invitae Variant Classification Sherloc (09022015). Collection method: clinical testing. Allele origin: germline.
Comment: This variant has not been reported in the literature in individuals affected with TRIOBP-related conditions. In summary, the available evidence is currently insufficient to determine the role of this variant in disease. Therefore, it has been classified as a Variant of Uncertain Significance. Algorithms developed to predict the effect of missense changes on protein structure and function are either unavailable or do not agree on the potential impact of this missense change (SIFT: "Deleterious"; PolyPhen-2: "Probably Damaging"; Align-GVGD: "Class C0"). ClinVar contains an entry for this variant (Variation ID: 1481652). This variant is not present in population databases (gnomAD no frequency). This sequence change replaces serine, which is neutral and polar, with cysteine, which is neutral and slightly polar, at codon 936 of the TRIOBP protein (p.Ser936Cys).

NM_001039141.3(TRIOBP):c.2807C>G (p.Ser936Cys)

Gene: TRIOBP (TRIO and F-actin binding protein; plus strand). Cytogenetic location: 22q13.1.
Variant type: single nucleotide variant.
Coding change: c.2807C>G on transcript NM_001039141.3 (MANE Select); coding-DNA position 2807, C replaced by G.
Protein change: p.Ser936Cys; replaces serine 936 with cysteine.
Molecular consequence: missense variant.
Genome position (GRCh38, 1-based): chr22:37,725,363, C>G. VCF-style: chr22-37725363-C-G. GRCh37 (hg19) VCF-style: chr22-38121370-C-G.
Other names: short protein forms S936C.
Identifiers: ClinVar variation 1481652 (VCV001481652.6), dbSNP rs2145834492, ClinGen allele CA411473652.
Genomic context (GRCh38, chr22:37,725,363, plus strand): 5'-GTGATGGTCCCCGAACCTCTTCCCCATCTCGCTCCAAGCAAAGCGAGGTTCCCTGGGCAT[C>G]CATCGCCCTCCGGCCAACCCAAGGTGACAGGCCTCAGACATCCTCTCCCAGCAGGCCAGC-3'
Protein context (NP_001034230.1, residues 926-946): RSKQSEVPWA[Ser936Cys]IALRPTQGDR